The following is an entry in ClinVar:

ClinVar aggregate classification (germline): Uncertain significance (1 of 4 stars; one submission).

Conditions:
Fanconi anemia (FA). Also called: Fanconi's anemia. Identifiers: Orphanet 84, MedGen C0015625, MeSH D005199, MONDO:0019391.

Allele frequency attached by ClinVar (database versions not stated): TOPMed below 0.00001.

Submission:

Labcorp Genetics (formerly Invitae), Labcorp
Classification: Uncertain significance for Fanconi anemia. Last evaluated: 2021-11-17. Review status: criteria provided, single submitter. Criteria: Invitae Variant Classification Sherloc (09022015). Collection method: clinical testing. Allele origin: germline.
Comment: In summary, the available evidence is currently insufficient to determine the role of this variant in disease. Therefore, it has been classified as a Variant of Uncertain Significance. Algorithms developed to predict the effect of missense changes on protein structure and function output the following: SIFT: "Tolerated"; PolyPhen-2: "Benign"; Align-GVGD: "Class C0". The threonine amino acid residue is found in multiple mammalian species, which suggests that this missense change does not adversely affect protein function. This variant has not been reported in the literature in individuals affected with SLX4-related conditions. This variant is present in population databases (no rsID available, gnomAD 0.007%). This sequence change replaces alanine, which is neutral and non-polar, with threonine, which is neutral and polar, at codon 416 of the SLX4 protein (p.Ala416Thr).

NM_032444.4(SLX4):c.1246G>A (p.Ala416Thr)

Gene: SLX4 (SLX4 structure-specific endonuclease subunit; minus strand). Cytogenetic location: 16p13.3.
Variant type: single nucleotide variant.
Coding change: c.1246G>A on transcript NM_032444.4 (MANE Select); coding-DNA position 1246, G replaced by A.
Protein change: p.Ala416Thr; replaces alanine 416 with threonine.
Molecular consequence: missense variant.
Genome position (GRCh38, 1-based): chr16:3,597,917, C>T on the plus strand (G>A on the coding strand, the complement: SLX4 is on the minus strand). VCF-style: chr16-3597917-C-T. GRCh37 (hg19) VCF-style: chr16-3647918-C-T.
Other names: short protein forms A416T.
Identifiers: ClinVar variation 1470669 (VCV001470669.6), dbSNP rs1273526453, ClinGen allele CA394529663.
Genomic context (GRCh38, chr16:3,597,917, plus strand): 5'-CACCCGGCTCCATCTCCGACCGGGACAGAGCCATGGCCACCAGCAGGTCCTCGGACGGTG[C>T]CTCGTCCACCTTCCGCCTCTTCCGTGGCTCCTTCTTGCTGGTGGGTCCTCTCCGTTTCAG-3'
Protein context (NP_115820.2, residues 406-426): EPRKRRKVDE[Ala416Thr]PSEDLLVAMA